The following is an entry in ClinVar:

ClinVar aggregate classification (germline): Uncertain significance (1 of 4 stars; one submission).

Conditions:
RYR1-related disorder. Also called: RYR1-related disorders; RYR1-related condition. Identifiers: MedGen CN239331.

Submission:

Labcorp Genetics (formerly Invitae), Labcorp
Classification: Uncertain significance for RYR1-Related Disorders. Last evaluated: 2018-08-13. Review status: criteria provided, single submitter. Criteria: Invitae Variant Classification Sherloc (09022015). Collection method: clinical testing. Allele origin: germline.
Comment: This sequence change replaces isoleucine with threonine at codon 620 of the RYR1 protein (p.Ile620Thr). The isoleucine residue is highly conserved and there is a moderate physicochemical difference between isoleucine and threonine. This variant is not present in population databases (ExAC no frequency). This variant has not been reported in the literature in individuals with RYR1-related disease. Algorithms developed to predict the effect of missense changes on protein structure and function are either unavailable or do not agree on the potential impact of this missense change (SIFT: "Deleterious"; PolyPhen-2: "Probably Damaging"; Align-GVGD: "Class C0"). In summary, the available evidence is currently insufficient to determine the role of this variant in disease. Therefore, it has been classified as a Variant of Uncertain Significance.

NM_000540.3(RYR1):c.1859T>C (p.Ile620Thr)

Gene: RYR1 (ryanodine receptor 1; plus strand). Cytogenetic location: 19q13.2.
Variant type: single nucleotide variant.
Coding change: c.1859T>C on transcript NM_000540.3 (MANE Select); coding-DNA position 1859, T replaced by C.
Protein change: p.Ile620Thr; replaces isoleucine 620 with threonine.
Molecular consequence: missense variant.
Genome position (GRCh38, 1-based): chr19:38,457,564, T>C. VCF-style: chr19-38457564-T-C. GRCh37 (hg19) VCF-style: chr19-38948204-T-C.
Other names: c.1859T>C, p.Ile620Thr (NM_001042723.2); short protein forms I620T.
Identifiers: ClinVar variation 576328 (VCV000576328.2), dbSNP rs1568450514, ClinGen allele CA405693967.